The following is an entry in ClinVar:

ClinVar aggregate classification (germline): Benign/Likely benign. Review status: criteria provided, multiple submitters, no conflicts (2 of 4 stars). 19 submissions from 19 submitters: Benign (8); Likely benign (3). 8 of the submissions do not count toward it. Last evaluated 2026-02-02.

Conditions:
Cardiovascular phenotype. Identifiers: MedGen CN230736.
Myofibrillar myopathy 4. Also called: Zaspopathy (type). Identifiers: Orphanet 98912, MedGen C4721886, MONDO:0012277, OMIM 609452.
Dilated cardiomyopathy 1C (CMD1C). Also called: CARDIOMYOPATHY, DILATED, 1C, WITH OR WITHOUT LEFT VENTRICULAR NONCOMPACTION; Cardiomyopathy, dilated, 1C, with or without LVNC. Identifiers: Orphanet 154, Orphanet 54260, MedGen C1832244, MONDO:0011094, OMIM 601493.
Cardiomyopathy (CMYO). Also called: Cardiomyopathies. Identifiers: Orphanet 167848, MedGen C0878544, MONDO:0004994, HP:0001638. Inheritance: Various modes of inheritance.

Allele frequency attached by ClinVar (database versions not stated): gnomAD 0.01591 and 0.01671; gnomAD exomes 0.00337 and 0.00592; ESP Exome Variant Server 0.01699; 1000 Genomes Project 0.01717; TOPMed 0.01744; 1000 Genomes Project 30x 0.01796; ExAC 0.00665.
gnomAD v4.1: 7,551 of 1,614,166 alleles (0.47%); highest among the groups gnomAD compares: African/African-American, 5.2%; 174 homozygotes.

Submissions (19):

Labcorp Genetics (formerly Invitae), Labcorp
Classification: Benign for Myofibrillar myopathy 4. Last evaluated: 2026-02-02. Review status: criteria provided, single submitter. Criteria: Invitae Variant Classification Sherloc (09022015). Collection method: clinical testing. Allele origin: germline.

ARUP Laboratories, Molecular Genetics and Genomics, ARUP Laboratories
Classification: Benign. Last evaluated: 2025-03-21. Review status: criteria provided, single submitter. Criteria: ARUP Molecular Germline Variant Investigation Process 2024. Collection method: clinical testing. Allele origin: germline.

Fulgent Genetics
Classification: Benign for Dilated cardiomyopathy 1C; Myofibrillar myopathy 4. Last evaluated: 2022-04-28. Review status: criteria provided, single submitter. Criteria: ACMG Guidelines, 2015. Collection method: clinical testing. Allele origin: unknown.

Mayo Clinic Laboratories, Mayo Clinic
Classification: Benign. Last evaluated: 2018-02-21. Review status: criteria provided, single submitter. Criteria: ACMG Guidelines, 2015. Collection method: clinical testing. Allele origin: germline. Observed: 39 variant alleles.

Center for Pediatric Genomic Medicine, Children's Mercy Hospital and Clinics
Classification: Likely benign. Last evaluated: 2017-04-24. Review status: criteria provided, single submitter. Criteria: ACMG Guidelines, 2015. Collection method: clinical testing. Allele origin: germline.

CHEO Genetics Diagnostic Laboratory, Children's Hospital of Eastern Ontario
Classification: Likely benign for Cardiomyopathy. Last evaluated: 2016-04-11. Review status: criteria provided, single submitter. Criteria: ACMG Guidelines, 2015. Collection method: clinical testing. Allele origin: germline. Study: Canadian Open Genetics Repository.

Ambry Genetics
Classification: Benign for Cardiovascular phenotype. Last evaluated: 2015-07-15. Review status: criteria provided, single submitter. Criteria: Ambry Variant Classification Scheme 2023. Collection method: clinical testing. Allele origin: germline.

Biesecker Lab/Clinical Genomics Section, National Institutes of Health
Classification: Benign. Last evaluated: 2013-06-24. Review status: criteria provided, single submitter. Criteria: Ng et al. (Circ Cardiovasc Genet. 2013). Collection method: research. Allele origin: unknown. Observed: 7 variant alleles. Study: ClinSeq.
Comment: The study set was not selected for affection status in relation to any cancer. Pathogenicity categories were based on literature curation. See Pubmed ID:23861362 for details.

Medical sequencing

GeneDx
Classification: Benign. Last evaluated: 2012-08-09. Review status: criteria provided, single submitter. Criteria: GeneDx Variant Classification (06012015). Collection method: clinical testing. Allele origin: germline. Affected: yes.
Comment: This variant is considered likely benign or benign based on one or more of the following criteria: it is a conservative change, it occurs at a poorly conserved position in the protein, it is predicted to be benign by multiple in silico algorithms, and/or has population frequency not consistent with disease.

Laboratory for Molecular Medicine, Mass General Brigham Personalized Medicine
Classification: Benign. Last evaluated: 2012-02-07. Review status: criteria provided, single submitter. Criteria: LMM Criteria. Collection method: clinical testing. Allele origin: germline. Observed: 67 variant alleles.
Comment: Lys251Arg in exon 7 of LDB3: This variant is classified as benign based on its h igh frequency in the general population (dbSNP rs34423165; NHLBI Exome Sequencin g Project).

Breakthrough Genomics
Classification: Likely benign. Review status: criteria provided, single submitter. Criteria: ACMG Guidelines, 2015. Collection method: not provided. Allele origin: germline. Inheritance: Autosomal dominant inheritance. Affected: yes.

Cytogenetics- Mohapatra Lab, Banaras Hindu University
Classification: Likely pathogenic for Dilated cardiomyopathy 1C. Last evaluated: 2014-08-19. Review status: no assertion criteria provided. Collection method: case-control. Allele origin: unknown. Affected: yes. Observed: 1 variant allele. Not counted in ClinVar's aggregate classification.

Women's Health and Genetics/Laboratory Corporation of America, LabCorp
Classification: Benign for Cardiomyopathy. Last evaluated: 2013-02-18. Review status: no assertion criteria provided. Collection method: clinical testing. Allele origin: germline. Not counted in ClinVar's aggregate classification.

Clinical Genetics DNA and cytogenetics Diagnostics Lab, Erasmus MC, Erasmus Medical Center
Classification: Benign. Review status: no assertion criteria provided. Collection method: clinical testing. Allele origin: germline. Affected: yes. Study: VKGL Data-share Consensus. Not counted in ClinVar's aggregate classification.

Clinical Genetics, Academic Medical Center
Classification: Benign. Review status: no assertion criteria provided. Collection method: clinical testing. Allele origin: germline. Affected: yes. Study: VKGL Data-share Consensus. Not counted in ClinVar's aggregate classification.

Diagnostic Laboratory, Department of Genetics, University Medical Center Groningen
Classification: Likely benign. Review status: no assertion criteria provided. Collection method: clinical testing. Allele origin: germline. Affected: yes. Study: VKGL Data-share Consensus. Not counted in ClinVar's aggregate classification.

Genome Diagnostics Laboratory, University Medical Center Utrecht
Classification: Benign. Review status: no assertion criteria provided. Collection method: clinical testing. Allele origin: germline. Affected: yes. Study: VKGL Data-share Consensus. Not counted in ClinVar's aggregate classification.

Joint Genome Diagnostic Labs from Nijmegen and Maastricht, Radboudumc and MUMC+
Classification: Benign. Review status: no assertion criteria provided. Collection method: clinical testing. Allele origin: germline. Affected: yes. Study: VKGL Data-share Consensus. Not counted in ClinVar's aggregate classification.

Laboratory of Diagnostic Genome Analysis, Leiden University Medical Center (LUMC)
Classification: Likely benign. Review status: no assertion criteria provided. Collection method: clinical testing. Allele origin: germline. Affected: yes. Study: VKGL Data-share Consensus. Not counted in ClinVar's aggregate classification.

NM_007078.3(LDB3):c.752A>G (p.Lys251Arg)

Gene: LDB3 (LIM domain binding 3; plus strand). Cytogenetic location: 10q23.2.
Variant type: single nucleotide variant.
Coding change: c.752A>G on transcript NM_007078.3 (MANE Select); coding-DNA position 752, A replaced by G.
Protein change: p.Lys251Arg; replaces lysine 251 with arginine.
Molecular consequence: missense variant.
Genome position (GRCh38, 1-based): chr10:86,691,958, A>G. VCF-style: chr10-86691958-A-G. GRCh37 (hg19) VCF-style: chr10-88451715-A-G.
Other names: p.K251R:AAG>AGG; p.Lys204Arg; c.611A>G, p.Lys204Arg (NM_001080114.2, NM_001368066.1, NM_001368067.1 and 2 more transcripts); c.752A>G, p.Lys251Arg (NM_001080115.2, NM_001368063.1, NM_001368064.1 and 1 more transcripts); c.956A>G, p.Lys319Arg (NM_001171610.2, NM_001171611.2); short protein forms K204R, K251R, K319R.
Identifiers: ClinVar variation 36449 (VCV000036449.46), dbSNP rs34423165, ClinGen allele CA282602.
Genomic context (GRCh38, chr10:86,691,958, plus strand): 5'-GCCTCCCTATTAAGGACCTTGCCGTAGACAGCGCCTCTCCCGTCTACCAGGCTGTGATTA[A>G]GAGCCAGAACAAGCCAGAAGATGAGGCTGACGAGTGGGCACGCCGTTCCTCCAACCTGCA-3'
Protein context (NP_009009.1, residues 241-261): SASPVYQAVI[Lys251Arg]SQNKPEDEAD